The following is an entry in ClinVar:

NC_000010.11:g.(?_66621672)_(66621804_?)del

Gene: CTNNA3 (catenin alpha 3; minus strand). Cytogenetic location: 10q21.3.
Variant type: Deletion.
Identifiers: ClinVar variation 474808 (VCV000474808.8).

ClinVar aggregate classification (germline): Uncertain significance (1 of 4 stars; one submission).

Conditions:
Arrhythmogenic right ventricular dysplasia 13. Also called: ARRHYTHMOGENIC RIGHT VENTRICULAR CARDIOMYOPATHY 13; Arrhythmogenic right ventricular dysplasia, familial, 13. Identifiers: MedGen C3810138, MONDO:0000908, OMIM 615616.

Submission:

Labcorp Genetics (formerly Invitae), Labcorp
Classification: Uncertain significance for Arrhythmogenic right ventricular dysplasia 13. Last evaluated: 2024-01-24. Review status: criteria provided, single submitter. Criteria: Invitae Variant Classification Sherloc (09022015). Collection method: clinical testing. Allele origin: germline.
Comment: This variant is a gross deletion of the genomic region encompassing exon(s) 10 of the CTNNA3 gene. This variant would be expected to be in-frame, preserving the integrity of the reading frame. A similar copy number variant has been observed in individual(s) with affected with autism, but also in unaffected family members and healthy control individuals (PMID: 25050139). Experimental studies and prediction algorithms are not available or were not evaluated, and the functional significance of this variant is currently unknown. In summary, the available evidence is currently insufficient to determine the role of this variant in disease. Therefore, it has been classified as a Variant of Uncertain Significance.

Literature cited by the submitters: PubMed 25050139.